The following is an entry in ClinVar:

ClinVar aggregate classification (germline): Pathogenic (1 of 4 stars; one submission).

Conditions:
Hereditary cancer-predisposing syndrome. Also called: Neoplastic Syndromes, Hereditary; Tumor predisposition; Hereditary Cancer Syndrome; Hereditary neoplastic syndrome. Identifiers: Orphanet 140162, MedGen C0027672, MeSH D009386, MONDO:0015356.

Submission:

Ambry Genetics
Classification: Pathogenic for Hereditary cancer-predisposing syndrome. Last evaluated: 2025-03-24. Review status: criteria provided, single submitter. Criteria: Ambry Variant Classification Scheme 2023. Collection method: clinical testing. Allele origin: germline.
Comment: The c.3720delA pathogenic mutation, located in coding exon 8 of the MSH6 gene, results from a deletion of one nucleotide at nucleotide position 3720, causing a translational frameshift with a predicted alternate stop codon (p.K1240Nfs*13). This alteration has been observed in at least one individual with a personal and/or family history that is consistent with Lynch syndrome (Ambry internal data). This variant is considered to be rare based on population cohorts in the Genome Aggregation Database (gnomAD). This alteration is expected to result in loss of function by premature protein truncation or nonsense-mediated mRNA decay. As such, this alteration is interpreted as a disease-causing mutation.

NM_000179.3(MSH6):c.3720del (p.Lys1240fs)

Gene: MSH6 (mutS homolog 6; plus strand). Cytogenetic location: 2p16.3.
Variant type: Deletion.
Coding change: c.3720del on transcript NM_000179.3 (MANE Select); coding-DNA position 3720, one base deleted (A; older notation c.3720delA).
Protein change: p.Lys1240fs; shifts the reading frame from lysine 1240.
Molecular consequence: frameshift variant.
Genome position (GRCh38, 1-based): chr2:47,806,277, A deleted; the last of 4 consecutive A bases (chr2:47,806,274-47,806,277); deleting any one gives the same sequence. VCF-style (leftmost placement, unchanged base first): chr2-47806273-TA-T. GRCh37 (hg19) VCF-style: chr2-48033412-TA-T.
Other names: c.3330del, p.Lys1110fs (NM_001281492.2); c.2814del, p.Lys938fs (NM_001281493.2, NM_001281494.2); c.3816delA, p.Lys1272Asnfs (NM_001406795.1, NM_001406802.1); c.3720delA, p.Lys1240Asnfs (NM_001406796.1, NM_001406800.1, NM_001406808.1 and 1 more transcripts); c.3423delA, p.Lys1141Asnfs (NM_001406797.1, NM_001406801.1, NM_001406805.1 and 10 more transcripts); c.3546delA, p.Lys1182Asnfs (NM_001406798.1); c.3195delA, p.Lys1065Asnfs (NM_001406799.1, NM_001406806.1, NM_001406807.1); c.2856delA, p.Lys952Asnfs (NM_001406803.1); and 8 more; short protein forms K1110fs, K938fs, K1240fs.
Identifiers: ClinVar variation 1734295 (VCV001734295.3), dbSNP rs2104541388, ClinGen allele CA2580067297.